The following is an entry in ClinVar:

NM_032444.4(SLX4):c.2438A>G (p.Glu813Gly)

Gene: SLX4 (SLX4 structure-specific endonuclease subunit; minus strand). Cytogenetic location: 16p13.3.
Variant type: single nucleotide variant.
Coding change: c.2438A>G on transcript NM_032444.4 (MANE Select); coding-DNA position 2438, A replaced by G.
Protein change: p.Glu813Gly; replaces glutamic acid 813 with glycine.
Molecular consequence: missense variant.
Genome position (GRCh38, 1-based): chr16:3,591,200, T>C on the plus strand (A>G on the coding strand, the complement: SLX4 is on the minus strand). VCF-style: chr16-3591200-T-C. GRCh37 (hg19) VCF-style: chr16-3641201-T-C.
Other names: short protein forms E813G.
Identifiers: ClinVar variation 1003092 (VCV001003092.8), dbSNP rs748712996, ClinGen allele CA7866149.

ClinVar aggregate classification (germline): Uncertain significance (1 of 4 stars; one submission).

Conditions:
Fanconi anemia (FA). Also called: Fanconi's anemia. Identifiers: Orphanet 84, MedGen C0015625, MeSH D005199, MONDO:0019391.

Allele frequency attached by ClinVar (database versions not stated): gnomAD exomes below 0.00001 and 0.00001; ExAC 0.00001; gnomAD 0.00001.
gnomAD v4.1: 8 of 1,614,018 alleles (0.0005%); highest among the groups gnomAD compares: Non-Finnish European, 0.00059%; no homozygotes.

Submission:

Labcorp Genetics (formerly Invitae), Labcorp
Classification: Uncertain significance for Fanconi anemia. Last evaluated: 2022-02-10. Review status: criteria provided, single submitter. Criteria: Invitae Variant Classification Sherloc (09022015). Collection method: clinical testing. Allele origin: germline.
Comment: This sequence change replaces glutamic acid, which is acidic and polar, with glycine, which is neutral and non-polar, at codon 813 of the SLX4 protein (p.Glu813Gly). This variant is present in population databases (rs748712996, gnomAD 0.0009%). This variant has not been reported in the literature in individuals affected with SLX4-related conditions. ClinVar contains an entry for this variant (Variation ID: 1003092). Algorithms developed to predict the effect of missense changes on protein structure and function are either unavailable or do not agree on the potential impact of this missense change (SIFT: "Deleterious"; PolyPhen-2: "Probably Damaging"; Align-GVGD: "Class C0"). In summary, the available evidence is currently insufficient to determine the role of this variant in disease. Therefore, it has been classified as a Variant of Uncertain Significance.